The following is an entry in ClinVar:

ClinVar aggregate classification (germline): Pathogenic (1 of 4 stars; one submission).

Submission:

CeGaT Center for Human Genetics Tuebingen
Classification: Pathogenic. Last evaluated: 2023-10-01. Review status: criteria provided, single submitter. Criteria: CeGaT Center For Human Genetics Tuebingen Variant Classification Criteria Version 2. Collection method: clinical testing. Allele origin: germline. Affected: yes. Observed: 4 variant alleles.
Comment: DICER1: PVS1, PM2

NM_177438.3(DICER1):c.1147del (p.Ile383fs)

Gene: DICER1 (dicer 1, ribonuclease III; minus strand). Cytogenetic location: 14q32.13.
Variant type: Deletion.
Coding change: c.1147del on transcript NM_177438.3 (MANE Select); coding-DNA position 1147, one base deleted (A; older notation c.1147delA).
Protein change: p.Ile383fs; shifts the reading frame from isoleucine 383.
Molecular consequence: frameshift variant. On other transcripts: 5 prime UTR variant (1), non-coding transcript variant (6).
Genome position (GRCh38, 1-based): chr14:95,124,425, T deleted on the plus strand (A on the coding strand, the reverse complement: DICER1 is on the minus strand); the first of 3 consecutive T bases (chr14:95,124,425-95,124,427); deleting any one gives the same sequence. VCF-style (leftmost placement, unchanged base first): chr14-95124424-AT-A. GRCh37 (hg19) VCF-style: chr14-95590761-AT-A.
Other names: c.1147del, p.Ile383fs (NM_001395680.1, NM_001395682.1, NM_001395683.1 and 14 more transcripts); c.1145delA, p.Ile383Serfs (NM_001395681.1); c.865del, p.Ile289fs (NM_001395686.1); c.742del, p.Ile248fs (NM_001395687.1, NM_001395688.1, NM_001395689.1 and 3 more transcripts); c.580del, p.Ile194fs (NM_001395691.1); c.-422del (NM_001395697.1); short protein forms I194fs, I248fs, I289fs, I383fs.
Identifiers: ClinVar variation 1879284 (VCV001879284.29), dbSNP rs2543179169, ClinGen allele CA2580089099.